The following is an entry in ClinVar:

ClinVar aggregate classification (germline): Uncertain significance (1 of 4 stars; one submission).

Conditions:
Congenital disorder of glycosylation (CDG). Also called: Congenital disorders of glycosylation; Carbohydrate-deficient glycoprotein syndrome. Identifiers: Orphanet 137, MedGen C0282577, MONDO:0015286.

Submission:

Labcorp Genetics (formerly Invitae), Labcorp
Classification: Uncertain significance for Congenital disorder of glycosylation. Last evaluated: 2024-07-08. Review status: criteria provided, single submitter. Criteria: Invitae Variant Classification Sherloc (09022015). Collection method: clinical testing. Allele origin: germline.
Comment: This sequence change replaces isoleucine, which is neutral and non-polar, with methionine, which is neutral and non-polar, at codon 17 of the RPN2 protein (p.Ile17Met). This variant is not present in population databases (gnomAD no frequency). This variant has not been reported in the literature in individuals affected with RPN2-related conditions. ClinVar contains an entry for this variant (Variation ID: 2122575). An algorithm developed to predict the effect of missense changes on protein structure and function (PolyPhen-2) suggests that this variant is likely to be tolerated. In summary, the available evidence is currently insufficient to determine the role of this variant in disease. Therefore, it has been classified as a Variant of Uncertain Significance.

NM_002951.5(RPN2):c.51A>G (p.Ile17Met)

Gene: RPN2 (ribophorin II; plus strand). Cytogenetic location: 20q11.23.
Variant type: single nucleotide variant.
Coding change: c.51A>G on transcript NM_002951.5 (MANE Select); coding-DNA position 51, A replaced by G.
Protein change: p.Ile17Met; replaces isoleucine 17 with methionine.
Molecular consequence: missense variant. On other transcripts: 5 prime UTR variant (1).
Genome position (GRCh38, 1-based): chr20:37,184,217, A>G. VCF-style: chr20-37184217-A-G. GRCh37 (hg19) VCF-style: chr20-35812620-A-G.
Other names: c.51A>G, p.Ile17Met (NM_001135771.3, NM_001324299.2, NM_001324301.2 and 4 more transcripts); c.-149A>G (NM_001324306.2); short protein forms I17M.
Identifiers: ClinVar variation 2122575 (VCV002122575.4), dbSNP rs2515677037, ClinGen allele CA408848005.